The following is an entry in ClinVar:

ClinVar aggregate classification (germline): Uncertain significance. Review status: criteria provided, multiple submitters, no conflicts (2 of 4 stars). 2 submissions from 2 submitters: Uncertain significance (2). Last evaluated 2025-07-30.

Conditions:
Pheochromocytoma/paraganglioma syndrome 3. Also called: GLOMUS TUMORS, FAMILIAL, 3; SDHC-Related Hereditary Paraganglioma-Pheochromocytoma Syndrome (Paragangliomas 3); Paragangliomas 3; SDHC-Related Hereditary Paraganglioma-Pheochromocytoma Syndrome. Identifiers: Orphanet 29072, MedGen C1854336, MONDO:0011544, OMIM 605373.
Gastrointestinal stromal tumor. Also called: Gastrointestinal stromal tumor, somatic; Gastrointestinal stroma tumor. Identifiers: Orphanet 44890, MedGen C0238198, MeSH D046152, MONDO:0011719, OMIM 606764, HP:0100723.
Hereditary cancer-predisposing syndrome. Also called: Neoplastic Syndromes, Hereditary; Hereditary Cancer Syndrome; Hereditary neoplastic syndrome; Tumor predisposition. Identifiers: Orphanet 140162, MedGen C0027672, MeSH D009386, MONDO:0015356.

Allele frequency attached by ClinVar (database versions not stated): gnomAD exomes below 0.00001.
gnomAD v4.1: 1 of 1,613,796 alleles (0.000062%); highest among the groups gnomAD compares: Non-Finnish European, 0.000085%; no homozygotes.

Submissions (2):

Ambry Genetics
Classification: Uncertain significance for Hereditary cancer-predisposing syndrome. Last evaluated: 2025-07-30. Review status: criteria provided, single submitter. Criteria: Ambry Variant Classification Scheme 2023. Collection method: clinical testing. Allele origin: germline.
Comment: The p.M65V variant (also known as c.193A>G), located in coding exon 4 of the SDHC gene, results from an A to G substitution at nucleotide position 193. The methionine at codon 65 is replaced by valine, an amino acid with highly similar properties. This amino acid position is conserved. In addition, this alteration is predicted to be deleterious by in silico analysis. Based on the available evidence, the clinical significance of this variant remains unclear.

Labcorp Genetics (formerly Invitae), Labcorp
Classification: Uncertain significance for Pheochromocytoma/paraganglioma syndrome 3; Gastrointestinal stromal tumor. Last evaluated: 2024-08-14. Review status: criteria provided, single submitter. Criteria: Invitae Variant Classification Sherloc (09022015). Collection method: clinical testing. Allele origin: germline.
Comment: This sequence change replaces methionine, which is neutral and non-polar, with valine, which is neutral and non-polar, at codon 65 of the SDHC protein (p.Met65Val). This variant is not present in population databases (gnomAD no frequency). This variant has not been reported in the literature in individuals affected with SDHC-related conditions. ClinVar contains an entry for this variant (Variation ID: 407058). An algorithm developed to predict the effect of missense changes on protein structure and function (PolyPhen-2) suggests that this variant is likely to be disruptive. In summary, the available evidence is currently insufficient to determine the role of this variant in disease. Therefore, it has been classified as a Variant of Uncertain Significance.

NM_003001.5(SDHC):c.193A>G (p.Met65Val)

Gene: SDHC (succinate dehydrogenase complex subunit C; plus strand). Cytogenetic location: 1q23.3.
Variant type: single nucleotide variant.
Coding change: c.193A>G on transcript NM_003001.5 (MANE Select); coding-DNA position 193, A replaced by G.
Protein change: p.Met65Val; replaces methionine 65 with valine.
Molecular consequence: missense variant.
Genome position (GRCh38, 1-based): chr1:161,340,607, A>G. VCF-style: chr1-161340607-A-G. GRCh37 (hg19) VCF-style: chr1-161310397-A-G.
Other names: c.193A>G, p.Met65Val (NM_001035511.3); c.91A>G, p.Met31Val (NM_001035512.3, NM_001278172.3, NM_001407118.1); c.34A>G, p.Met12Val (NM_001035513.3); c.313A>G, p.Met105Val (NM_001407115.1); c.136A>G, p.Met46Val (NM_001407116.1, NM_001407117.1, NM_001407121.1); c.82A>G, p.Met28Val (NM_001407119.1, NM_001407120.1); short protein forms M65V, M12V, M31V, M105V, M28V, M46V.
Identifiers: ClinVar variation 407058 (VCV000407058.15), dbSNP rs1060501392, ClinGen allele CA16609914.
Genomic context (GRCh38, chr1:161,340,607, plus strand): 5'-GTGTCATCTTTTCCTTTTTAAAATTGTCTTTGTGTGTTTCTTTACAGTTGGTCTCTTCCC[A>G]TGGCGATGTCCATCTGCCACCGTGGCACTGGTATTGCTTTGAGTGCAGGTATGTATATGT-3'
Protein context (NP_002992.1, residues 55-75): HITIYSWSLP[Met65Val]AMSICHRGTG